The following is an entry in ClinVar:

ClinVar aggregate classification (germline): Uncertain significance (1 of 4 stars; one submission).

Submission:

GeneDx
Classification: Uncertain significance. Last evaluated: 2024-12-26. Review status: criteria provided, single submitter. Criteria: GeneDx Variant Classification Process June 2021. Collection method: clinical testing. Allele origin: germline. Affected: yes.
Comment: Not observed at significant frequency in large population cohorts (gnomAD); In-frame insertion of 1 amino acid(s) in a non-repeat region; Has not been previously published as pathogenic or benign to our knowledge

NM_015365.3(AMMECR1):c.92_94dup (p.Ser31_His32insPro)

Gene: AMMECR1 (AMMECR nuclear protein 1; minus strand). Cytogenetic location: Xq23.
Variant type: Duplication.
Coding change: c.92_94dup on transcript NM_015365.3 (MANE Select); coding-DNA positions 92 to 94, 3 bases duplicated (CCC; older notation c.92_94dupCCC).
Protein change: p.Ser31_His32insPro.
Molecular consequence: intron variant (on NM_001171689.2).
Genome position (GRCh38, 1-based): chrX:110,317,978-110,317,980, GGG duplicated on the plus strand (CCC on the coding strand, the reverse complement: AMMECR1 is on the minus strand). VCF-style (leftmost placement, unchanged base first): chrX-110317977-T-TGGG. GRCh37 (hg19) VCF-style: chrX-109561205-T-TGGG.
Other names: c.92_94dup, p.Ser31_His32insPro (NM_001025580.2); c.-147-131_-147-129dup (NM_001171689.2).
Identifiers: ClinVar variation 3907943 (VCV003907943.1).